The following is an entry in ClinVar:

NM_000195.5(HPS1):c.16dup (p.Val6fs)

Gene: HPS1 (HPS1 biogenesis of lysosomal organelles complex 3 subunit 1; minus strand). Cytogenetic location: 10q24.2.
Variant type: Duplication.
Coding change: c.16dup on transcript NM_000195.5 (MANE Select); coding-DNA position 16, one base duplicated (G; older notation c.16dupG).
Protein change: p.Val6fs; shifts the reading frame from valine 6.
Molecular consequence: frameshift variant. On other transcripts: 5 prime UTR variant (6).
Genome position (GRCh38, 1-based): chr10:98,443,225, C duplicated on the plus strand (G on the coding strand, the reverse complement: HPS1 is on the minus strand); the first of 2 consecutive C bases (chr10:98,443,225-98,443,226); duplicating either gives the same sequence. VCF-style (leftmost placement, unchanged base first): chr10-98443224-A-AC. GRCh37 (hg19) VCF-style: chr10-100202981-A-AC.
Other names: c.-901dup (NM_001311345.2); c.16dup, p.Val6fs (NM_001322476.2, NM_001322477.2, NM_001322478.2 and 8 more transcripts); c.-211dup (NM_001322483.2, NM_001322484.2, NM_001322485.2); c.-1000dup (NM_001322487.2); c.-758dup (NM_001322489.2); short protein forms V6fs.
Identifiers: ClinVar variation 5004563 (VCV005004563.1).

ClinVar aggregate classification (germline): Pathogenic (1 of 4 stars; one submission).

Conditions:
Hermansky-Pudlak syndrome 1 (HPS1). Also called: DELTA STORAGE POOL DISEASE. Identifiers: Orphanet 231500, Orphanet 79430, MedGen C2931875, MONDO:0008748, OMIM 203300.

Submission:

Myriad Genetics, Inc.
Classification: Pathogenic for Hermansky-Pudlak syndrome 1. Last evaluated: 2026-03-26. Review status: criteria provided, single submitter. Criteria: Myriad Autosomal Dominant, Autosomal Recessive and X-Linked Classification Criteria (2023). Collection method: clinical testing. Allele origin: unknown.
Comment: NM_000195.3(HPS1):c.16dupG(V6Gfs*4) is a frameshift variant classified as pathogenic in the context of Hermansky-Pudlak syndrome, HPS1-related. V6Gfs*4 has not been observed in cases with relevant disease. Relevant functional assessments of this variant are not available in the literature. V6Gfs*4 has been observed in referenced population frequency databases. In summary, NM_000195.3(HPS1):c.16dupG(V6Gfs*4) is a frameshift variant in a gene where loss of function is a known mechanism of disease and is predicted to disrupt protein function. Please note: this variant was assessed in the context of healthy population screening.